The following is an entry in ClinVar:

ClinVar aggregate classification (germline): Uncertain significance. Review status: criteria provided, multiple submitters, no conflicts (2 of 4 stars). 2 submissions from 2 submitters: Uncertain significance (2). Last evaluated 2025-09-19.

Conditions:
Hereditary cancer-predisposing syndrome. Also called: Tumor predisposition; Hereditary neoplastic syndrome; Hereditary Cancer Syndrome; Neoplastic Syndromes, Hereditary. Identifiers: Orphanet 140162, MedGen C0027672, MeSH D009386, MONDO:0015356.
Neuroblastoma, susceptibility to, 3. Also called: ALK-Related Neuroblastic Tumor Susceptibility. Identifiers: Orphanet 635, MedGen C2751681, MONDO:0013083, OMIM 613014.

gnomAD v4.1: 1 of 1,614,270 alleles (0.000062%); highest among the groups gnomAD compares: Admixed American, 0.0017%; no homozygotes.

Submissions (2):

Ambry Genetics
Classification: Uncertain significance for Hereditary cancer-predisposing syndrome. Last evaluated: 2025-09-19. Review status: criteria provided, single submitter. Criteria: Ambry Variant Classification Scheme 2023. Collection method: clinical testing. Allele origin: germline.
Comment: The p.D854H variant (also known as c.2560G>C), located in coding exon 15 of the ALK gene, results from a G to C substitution at nucleotide position 2560. The aspartic acid at codon 854 is replaced by histidine, an amino acid with similar properties. This amino acid position is conserved. In addition, this alteration is predicted to be tolerated by in silico analysis. Since supporting evidence is limited at this time, the clinical significance of this alteration remains unclear.

Labcorp Genetics (formerly Invitae), Labcorp
Classification: Uncertain significance for Neuroblastoma, susceptibility to, 3. Last evaluated: 2021-08-12. Review status: criteria provided, single submitter. Criteria: Invitae Variant Classification Sherloc (09022015). Collection method: clinical testing. Allele origin: germline.
Comment: Algorithms developed to predict the effect of missense changes on protein structure and function are either unavailable or do not agree on the potential impact of this missense change (SIFT: "Deleterious"; PolyPhen-2: "Possibly Damaging"; Align-GVGD: "Class C0"). This variant has not been reported in the literature in individuals with ALK-related conditions. This variant is not present in population databases (ExAC no frequency). This sequence change replaces aspartic acid with histidine at codon 854 of the ALK protein (p.Asp854His). The aspartic acid residue is moderately conserved and there is a moderate physicochemical difference between aspartic acid and histidine. In summary, the available evidence is currently insufficient to determine the role of this variant in disease. Therefore, it has been classified as a Variant of Uncertain Significance.

NM_004304.5(ALK):c.2560G>C (p.Asp854His)

Gene: ALK (ALK receptor tyrosine kinase; minus strand). Cytogenetic location: 2p23.2.
Variant type: single nucleotide variant.
Coding change: c.2560G>C on transcript NM_004304.5 (MANE Select); coding-DNA position 2560, G replaced by C.
Protein change: p.Asp854His; replaces aspartic acid 854 with histidine.
Molecular consequence: missense variant.
Genome position (GRCh38, 1-based): chr2:29,232,376, C>G on the plus strand (G>C on the coding strand, the complement: ALK is on the minus strand). VCF-style: chr2-29232376-C-G. GRCh37 (hg19) VCF-style: chr2-29455242-C-G.
Other names: c.2560G>C (NM_004304.4); short protein forms D854H.
Identifiers: ClinVar variation 1448530 (VCV001448530.10), dbSNP rs189078025, ClinGen allele CA346471823.